The following is an entry in ClinVar:

ClinVar aggregate classification (germline): Likely benign (1 of 4 stars; one submission).

Submission:

GeneDx
Classification: Likely benign. Last evaluated: 2018-06-17. Review status: criteria provided, single submitter. Criteria: GeneDx Variant Classification (06012015). Collection method: clinical testing. Allele origin: germline. Affected: yes.
Comment: This variant is considered likely benign or benign based on one or more of the following criteria: it is a conservative change, it occurs at a poorly conserved position in the protein, it is predicted to be benign by multiple in silico algorithms, and/or has population frequency not consistent with disease.

NM_015450.3(POT1):c.-40+149dup

Gene: POT1 (protection of telomeres 1; minus strand). Cytogenetic location: 7q31.33.
Variant type: Duplication.
Coding change: c.-40+149dup on transcript NM_015450.3 (MANE Select); 149 bases into the intron after 40 bases upstream of the start codon, one base duplicated (T; older notation c.-40+149dupT).
Molecular consequence: intron variant.
Genome position (GRCh38, 1-based): chr7:124,898,104, A duplicated on the plus strand (T on the coding strand, the reverse complement: POT1 is on the minus strand); the first of 9 consecutive A bases (chr7:124,898,104-124,898,112); duplicating any one gives the same sequence. VCF-style (leftmost placement, unchanged base first): chr7-124898103-G-GA. GRCh37 (hg19) VCF-style: chr7-124538157-G-GA.
Other names: c.-302+149dup (NM_001042594.2).
Identifiers: ClinVar variation 678878 (VCV000678878.1), dbSNP rs201066236, ClinGen allele CA166099217.